The following is an entry in ClinVar:

ClinVar aggregate classification (germline): Pathogenic (1 of 4 stars; one submission).

Submission:

Quest Diagnostics Nichols Institute San Juan Capistrano
Classification: Pathogenic. Last evaluated: 2024-10-07. Review status: criteria provided, single submitter. Criteria: ACMG/ClinGen CNV Guidelines, 2019. Collection method: clinical testing. Allele origin: unknown.
Comment: This triplication contains at least 28 protein-coding genes and involves the 15q11.2q13.2 (BP2-BP4) region (Aguilera-Albesa 2020, Allen 2015, Christian 2008, Firth 2009, Hamdan 2017, Jacquemont 2006, Noor 2015, Urraca 2013). Of note, many of these duplications were inherited from unaffected mothers, likely due to genes in this region having maternal imprinting effects (Urraca 2013). There are no similar copy number gains of this region in the general populations of the Database of Genomic Variants. Thus, based on current medical literature, this copy number variant (CNV) is classified as pathogenic. References: Aguilera-Albesa et al., Front Neurol. 2020 Feb 14:11:41. PMID: 32117010 Allen et al., Ann Neurol. 2015 Aug;78(2):323-8. PMID: 26068938 Christian et al., Biol Psychiatry. 2008 Jun 15;63(12):1111-7. PMID: 18374305 Firth et al., Am J Hum Genet. 2009 Apr;84(4):524-33. PMID: 19344873 Hamdan et al., Am J Hum Genet. 2017 Nov 2;101(5):664-685. PMID: 29100083 Jacquemont et al., J Med Genet. 2006 Nov;43(11):843-9. PMID: 16840569 Noor et al., Hum Mutat. 2015 Jul;36(7):689-93. PMID: 25884337 Urraca et al., Autism Res. 2013 Aug;6(4):268-79. PMID: 23495136

GRCh37/hg19 15q11.2-13.2(chr15:23713743-30913574)x4

Genes: APBA2 (amyloid beta precursor protein binding family A member 2; plus strand), ATP10A (ATPase phospholipid transporting 10A (putative); minus strand), CHRFAM7A (CHRNA7 (exons 5-10) and FAM7A (exons A-E) fusion; minus strand), ENTREP2 (endosomal transmembrane epsin interactor 2; minus strand), GABRA5 (gamma-aminobutyric acid type A receptor subunit alpha5; plus strand) and 26 more. Cytogenetic location: 15q11.2-13.2.
Variant type: copy number gain.
Change: copy number 4 of chr15:23,713,743-30,913,574 (7.20 Mb, GRCh37 coordinates, 1-based), cytogenetic band 15q11.2-13.2.
Identifiers: ClinVar variation 4682869 (VCV004682869.1).